The following is an entry in ClinVar:

NM_004370.6(COL12A1):c.4204A>G (p.Arg1402Gly)

Gene: COL12A1 (collagen type XII alpha 1 chain; minus strand). Cytogenetic location: 6q13.
Variant type: single nucleotide variant.
Coding change: c.4204A>G on transcript NM_004370.6 (MANE Select); coding-DNA position 4204, A replaced by G.
Protein change: p.Arg1402Gly; replaces arginine 1402 with glycine.
Molecular consequence: missense variant.
Genome position (GRCh38, 1-based): chr6:75,148,441, T>C on the plus strand (A>G on the coding strand, the complement: COL12A1 is on the minus strand). VCF-style: chr6-75148441-T-C. GRCh37 (hg19) VCF-style: chr6-75858157-T-C.
Other names: c.4204A>G, p.Arg1402Gly (NM_001424113.1, NM_001424114.1); c.3931A>G, p.Arg1311Gly (NM_001424115.1); c.712A>G, p.Arg238Gly (NM_001424116.1, NM_080645.3); short protein forms R1311G, R1402G, R238G.
Identifiers: ClinVar variation 3761914 (VCV003761914.2).
Genomic context (GRCh38, chr6:75,148,441, plus strand): 5'-CTGGATAGTATTCCACCTTATATCGATCCACACTGTCAGAAGGTGGTGTCCAGCTCACTC[T>C]AAAAGAACGATGGGTTCGCTCAGAAATAACTAAGTTAGAAGGTGCTTCCAAATCACCTAC-3'
Protein context (NP_004361.3, residues 1392-1412): VISERTHRSF[Arg1402Gly]VSWTPPSDSV

ClinVar aggregate classification (germline): Uncertain significance (1 of 4 stars; one submission).

Conditions:
Ullrich congenital muscular dystrophy 2 (UCMD2). Identifiers: Orphanet 75840, MedGen C4225314, MONDO:0014654, OMIM 616470.
Bethlem myopathy 2 (BTHLM2). Identifiers: Orphanet 536516, Orphanet 610, MedGen C4225313, MONDO:0034022, OMIM 616471.

gnomAD v4.1: 2 of 1,613,558 alleles (0.00012%); highest among the groups gnomAD compares: Non-Finnish European, 0.00017%; no homozygotes.

Submission:

Labcorp Genetics (formerly Invitae), Labcorp
Classification: Uncertain significance for Bethlem myopathy 2; Ullrich congenital muscular dystrophy 2. Last evaluated: 2024-05-06. Review status: criteria provided, single submitter. Criteria: Invitae Variant Classification Sherloc (09022015). Collection method: clinical testing. Allele origin: germline.
Comment: This sequence change replaces arginine, which is basic and polar, with glycine, which is neutral and non-polar, at codon 1402 of the COL12A1 protein (p.Arg1402Gly). The frequency data for this variant in the population databases is considered unreliable, as metrics indicate poor data quality at this position in the gnomAD database. This variant has not been reported in the literature in individuals affected with COL12A1-related conditions. Advanced modeling of protein sequence and biophysical properties (such as structural, functional, and spatial information, amino acid conservation, physicochemical variation, residue mobility, and thermodynamic stability) performed at Invitae indicates that this missense variant is expected to disrupt COL12A1 protein function with a positive predictive value of 80%. In summary, the available evidence is currently insufficient to determine the role of this variant in disease. Therefore, it has been classified as a Variant of Uncertain Significance.